The following is an entry in ClinVar:

ClinVar aggregate classification (germline): Conflicting classifications of pathogenicity. Review status: criteria provided, conflicting classifications (1 of 4 stars). 5 submissions from 4 submitters: Uncertain significance (3); Likely benign (1). 1 of the submissions does not count toward it. Last evaluated 2026-01-15.

Conditions:
Cardiovascular phenotype. Identifiers: MedGen CN230736.
PPP1CB-related disorder. Also called: PPP1CB-related condition.

Allele frequency attached by ClinVar (database versions not stated): gnomAD exomes 0.00004 and 0.00008; gnomAD 0.00006; ExAC 0.00007; ESP Exome Variant Server 0.00008; TOPMed 0.00008; 1000 Genomes Project 30x 0.00016; 1000 Genomes Project 0.00020.

Submissions (5):

Labcorp Genetics (formerly Invitae), Labcorp
Classification: Uncertain significance. Last evaluated: 2026-01-15. Review status: criteria provided, single submitter. Criteria: Invitae Variant Classification Sherloc (09022015). Collection method: clinical testing. Allele origin: germline.
Comment: This sequence change replaces proline, which is neutral and non-polar, with leucine, which is neutral and non-polar, at codon 323 of the PPP1CB protein (p.Pro323Leu). This variant is present in population databases (rs202171795, gnomAD 0.04%), and has an allele count higher than expected for a pathogenic variant. This variant has not been reported in the literature in individuals affected with PPP1CB-related conditions. ClinVar contains an entry for this variant (Variation ID: 1413520). An algorithm developed to predict the effect of missense changes on protein structure and function (PolyPhen-2) suggests that this variant is likely to be tolerated. In summary, the available evidence is currently insufficient to determine the role of this variant in disease. Therefore, it has been classified as a Variant of Uncertain Significance.

Women's Health and Genetics/Laboratory Corporation of America, LabCorp
Classification: Likely benign. Last evaluated: 2023-11-13. Review status: criteria provided, single submitter. Criteria: LabCorp Variant Classification Summary - May 2015. Collection method: clinical testing. Allele origin: germline.
Comment: Variant summary: PPP1CB c.968C>T (p.Pro323Leu) results in a non-conservative amino acid change in the encoded protein sequence. Three of five in-silico tools predict a damaging effect of the variant on protein function. The variant allele was found at a frequency of 7.6e-05 in 250990 control chromosomes, predominantly at a frequency of 0.00041 within the Latino subpopulation in the gnomAD database. The observed variant frequency within Latino control individuals in the gnomAD database is approximately 164 fold of the estimated maximal expected allele frequency for a pathogenic variant in PPP1CB causing Noonan Syndrome With Loose Anagen Hair phenotype (2.5e-06), strongly suggesting that the variant is a benign polymorphism found primarily in populations of Latino origin. To our knowledge, no occurrence of c.968C>T in individuals affected with Noonan Syndrome With Loose Anagen Hair and no experimental evidence demonstrating its impact on protein function have been reported. Three submitters have cited clinical-significance assessments for this variant to ClinVar after 2014. All submitters classified the variant as uncertain significance. Based on the evidence outlined above, the variant was classified as likely benign.

PreventionGenetics, part of Exact Sciences
Classification: Uncertain significance for PPP1CB-related condition. Last evaluated: 2023-08-18. Review status: criteria provided, single submitter. Criteria: ACMG Guidelines, 2015. Collection method: clinical testing. Allele origin: germline.
Comment: The PPP1CB c.968C>T variant is predicted to result in the amino acid substitution p.Pro323Leu. To our knowledge, this variant has not been reported in the literature. This variant is reported in 0.041% of alleles in individuals of Latino descent in gnomAD. Although we suspect that this variant may be benign, at this time, the clinical significance of this variant is uncertain due to the absence of conclusive functional and genetic evidence.

Ambry Genetics
Classification: Uncertain significance for Cardiovascular phenotype. Last evaluated: 2021-11-29. Review status: criteria provided, single submitter. Criteria: Ambry Variant Classification Scheme 2023. Collection method: clinical testing. Allele origin: germline.
Comment: The p.P323L variant (also known as c.968C>T), located in coding exon 8 of the PPP1CB gene, results from a C to T substitution at nucleotide position 968. The proline at codon 323 is replaced by leucine, an amino acid with similar properties. This amino acid position is conserved. In addition, this alteration is predicted to be tolerated by in silico analysis. Since supporting evidence is limited at this time, the clinical significance of this alteration remains unclear.

Ambry Genetics
Classification: Uncertain significance for Cardiovascular phenotype. Last evaluated: 2021-11-01. Review status: flagged submission. Criteria: Ambry Variant Classification Scheme 2023. Collection method: clinical testing. Allele origin: germline. Not counted in ClinVar's aggregate classification.
ClinVar note: Reason: This record appears to be redundant with a more recent record from the same submitter.
ClinVar note: Notes: SCV003725571 appears to be redundant with SCV002694244.

NM_002709.3(PPP1CB):c.968C>T (p.Pro323Leu)

Gene: PPP1CB (protein phosphatase 1 catalytic subunit beta; plus strand). Cytogenetic location: 2p23.2.
Variant type: single nucleotide variant.
Coding change: c.968C>T on transcript NM_002709.3 (MANE Select); coding-DNA position 968, C replaced by T.
Protein change: p.Pro323Leu; replaces proline 323 with leucine.
Molecular consequence: missense variant.
Genome position (GRCh38, 1-based): chr2:28,799,287, C>T. VCF-style: chr2-28799287-C-T. GRCh37 (hg19) VCF-style: chr2-29022153-C-T.
Other names: c.968C>T (NM_002709.2); c.968C>T, p.Pro323Leu (NM_206876.2); short protein forms P323L.
Identifiers: ClinVar variation 1413520 (VCV001413520.9), dbSNP rs202171795, ClinGen allele CA1589349.